The following is an entry in ClinVar:

ClinVar aggregate classification (germline): Uncertain significance (1 of 4 stars; one submission).

Submission:

Ambry Genetics
Classification: Uncertain significance. Last evaluated: 2025-02-16. Review status: criteria provided, single submitter. Criteria: Ambry Variant Classification Scheme 2023. Collection method: clinical testing. Allele origin: germline.
Comment: The p.D1397G variant (also known as c.4190A>G), located in coding exon 19 of the WNK2 gene, results from an A to G substitution at nucleotide position 4190. The aspartic acid at codon 1397 is replaced by glycine, an amino acid with similar properties. This amino acid position is conserved. In addition, this alteration is predicted to be tolerated by in silico analysis. Based on the available evidence, the clinical significance of this variant remains unclear.

NM_006648.4(WNK2):c.4190A>G (p.Asp1397Gly)

Gene: WNK2 (WNK lysine deficient protein kinase 2; plus strand). Cytogenetic location: 9q22.31.
Variant type: single nucleotide variant.
Coding change: c.4190A>G on transcript NM_006648.4 (MANE Select); coding-DNA position 4190, A replaced by G.
Protein change: p.Asp1397Gly; replaces aspartic acid 1397 with glycine.
Molecular consequence: missense variant.
Genome position (GRCh38, 1-based): chr9:93,288,944, A>G. VCF-style: chr9-93288944-A-G. GRCh37 (hg19) VCF-style: chr9-96051226-A-G.
Other names: c.4301A>G, p.Asp1434Gly (NM_001282394.3); short protein forms D1434G, D1397G.
Identifiers: ClinVar variation 3817105 (VCV003817105.1).
Genomic context (GRCh38, chr9:93,288,944, plus strand): 5'-CTGGGGCACCCCCAGCCCCTTTGGCCCCCTCCTCCCCTCCTGTGACTGCTCTGCCCCAAG[A>G]TGGAGCAGCTCCAGCCACCAGCACCATGCCAGAGCCAGCGTCAGGAACTGCCAGCCAGGC-3'
Protein context (NP_006639.3, residues 1387-1407): SSPPVTALPQ[Asp1397Gly]GAAPATSTMP